The following is an entry in ClinVar:

NM_004329.3(BMPR1A):c.65A>C (p.Gln22Pro)

Gene: BMPR1A (bone morphogenetic protein receptor type 1A; plus strand). Cytogenetic location: 10q23.2.
Variant type: single nucleotide variant.
Coding change: c.65A>C on transcript NM_004329.3 (MANE Select); coding-DNA position 65, A replaced by C.
Protein change: p.Gln22Pro; replaces glutamine 22 with proline.
Molecular consequence: missense variant.
Genome position (GRCh38, 1-based): chr10:86,876,083, A>C. VCF-style: chr10-86876083-A-C. GRCh37 (hg19) VCF-style: chr10-88635840-A-C.
Other names: short protein forms Q22P.
Identifiers: ClinVar variation 421650 (VCV000421650.14), dbSNP rs747437716, ClinGen allele CA5585413.

ClinVar aggregate classification (germline): Conflicting classifications of pathogenicity. Review status: criteria provided, conflicting classifications (1 of 4 stars). 4 submissions from 4 submitters: Uncertain significance (3); Benign (1). Last evaluated 2025-09-09.

Conditions:
Juvenile polyposis syndrome (JPS). Identifiers: Orphanet 2929, MedGen C0345893, MONDO:0017380, OMIM 174900.
Hereditary cancer-predisposing syndrome. Also called: Hereditary neoplastic syndrome; Hereditary Cancer Syndrome; Neoplastic Syndromes, Hereditary; Tumor predisposition. Identifiers: Orphanet 140162, MedGen C0027672, MeSH D009386, MONDO:0015356.
Polyposis syndrome, hereditary mixed, 2. Identifiers: Orphanet 157794, MedGen C1864730, MONDO:0012405, OMIM 610069.

Allele frequency attached by ClinVar (database versions not stated): gnomAD exomes below 0.00001 and 0.00001; ExAC 0.00002; gnomAD 0.00003; TOPMed 0.00003.

Submissions (4):

Ambry Genetics
Classification: Benign for Hereditary cancer-predisposing syndrome. Last evaluated: 2025-09-09. Review status: criteria provided, single submitter. Criteria: Ambry Variant Classification Scheme 2023. Collection method: clinical testing. Allele origin: germline.

Labcorp Genetics (formerly Invitae), Labcorp
Classification: Uncertain significance for Juvenile polyposis syndrome. Last evaluated: 2025-08-15. Review status: criteria provided, single submitter. Criteria: Invitae Variant Classification Sherloc (09022015). Collection method: clinical testing. Allele origin: germline.
Comment: This sequence change replaces glutamine, which is neutral and polar, with proline, which is neutral and non-polar, at codon 22 of the BMPR1A protein (p.Gln22Pro). This variant is present in population databases (rs747437716, gnomAD 0.02%). This variant has not been reported in the literature in individuals affected with BMPR1A-related conditions. ClinVar contains an entry for this variant (Variation ID: 421650). An algorithm developed to predict the effect of missense changes on protein structure and function (PolyPhen-2) suggests that this variant is likely to be tolerated. In summary, the available evidence is currently insufficient to determine the role of this variant in disease. Therefore, it has been classified as a Variant of Uncertain Significance.

Baylor Genetics
Classification: Uncertain significance for Polyposis syndrome, hereditary mixed, 2. Last evaluated: 2024-01-20. Review status: criteria provided, single submitter. Criteria: ACMG Guidelines, 2015. Collection method: clinical testing. Allele origin: unknown.

GeneDx
Classification: Uncertain significance. Last evaluated: 2016-07-13. Review status: criteria provided, single submitter. Criteria: GeneDx Variant Classification (06012015). Collection method: clinical testing. Allele origin: germline. Affected: yes.
Comment: This variant is denoted BMPR1A c.65A>C at the cDNA level, p.Gln22Pro (Q22P) at the protein level, and results in the change of a Glutamine to a Proline (CAA>CCA). This variant has not, to our knowledge, been published in the literature as pathogenic or benign. BMPR1A Gln22Pro was not observed in approximately 6,500 individuals of European and African American ancestry in the NHLBI Exome Sequencing Project, suggesting it is not a common benign variant in these populations. Since Glutamine and Proline differ in polarity, charge, size or other properties, this is considered a non-conservative amino acid substitution. BMPR1A Gln22Pro occurs at a position that is not conserved and is located in the signal peptide region (Howe 2004, UniProt). While protein-based in silico analyses are inconsistent regarding the effect this variant may have on protein structure and function, multiple splicing models predict that this variant may lead to the creation of a cryptic splice acceptor site. However, in the absence of RNA or functional studies, the actual effect of this variant is unknown. Based on currently available evidence, it is unclear whether BMPR1A Gln22Pro is pathogenic or benign. We consider it to be a variant of uncertain significance.